The following is an entry in ClinVar:

ClinVar aggregate classification (germline): Uncertain significance (1 of 4 stars; one submission).

Conditions:
Autosomal dominant limb-girdle muscular dystrophy type 1G (LGMDD3). Also called: Limb-girdle muscular dystrophy, type 1G; MUSCULAR DYSTROPHY, LIMB-GIRDLE, AUTOSOMAL DOMINANT 3. Identifiers: Orphanet 55596, MedGen C1836765, MONDO:0012193, OMIM 609115.

Submission:

Labcorp Genetics (formerly Invitae), Labcorp
Classification: Uncertain significance for Autosomal dominant limb-girdle muscular dystrophy type 1G. Last evaluated: 2022-06-20. Review status: criteria provided, single submitter. Criteria: Invitae Variant Classification Sherloc (09022015). Collection method: clinical testing. Allele origin: germline.
Comment: In summary, the available evidence is currently insufficient to determine the role of this variant in disease. Therefore, it has been classified as a Variant of Uncertain Significance. Algorithms developed to predict the effect of missense changes on protein structure and function (SIFT, PolyPhen-2, Align-GVGD) all suggest that this variant is likely to be disruptive. ClinVar contains an entry for this variant (Variation ID: 533023). This variant has not been reported in the literature in individuals affected with HNRNPDL-related conditions. This variant is not present in population databases (gnomAD no frequency). This sequence change replaces glutamic acid, which is acidic and polar, with lysine, which is basic and polar, at codon 292 of the HNRNPDL protein (p.Glu292Lys).

NM_031372.4(HNRNPDL):c.874G>A (p.Glu292Lys)

Gene: HNRNPDL (heterogeneous nuclear ribonucleoprotein D like; minus strand). Cytogenetic location: 4q21.22.
Variant type: single nucleotide variant.
Coding change: c.874G>A on transcript NM_031372.4 (MANE Select); coding-DNA position 874, G replaced by A.
Protein change: p.Glu292Lys; replaces glutamic acid 292 with lysine.
Molecular consequence: missense variant. On other transcripts: non-coding transcript variant (1).
Genome position (GRCh38, 1-based): chr4:82,427,465, C>T on the plus strand (G>A on the coding strand, the complement: HNRNPDL is on the minus strand). VCF-style: chr4-82427465-C-T. GRCh37 (hg19) VCF-style: chr4-83348618-C-T.
Other names: c.874G>A, p.Glu292Lys (NM_001207000.1); short protein forms E292K.
Identifiers: ClinVar variation 533023 (VCV000533023.9), dbSNP rs1553900899, ClinGen allele CA357169995.